The following is an entry in ClinVar:

ClinVar aggregate classification (germline): Uncertain significance. Review status: criteria provided, multiple submitters, no conflicts (2 of 4 stars). 4 submissions from 4 submitters: Uncertain significance (4). Last evaluated 2025-03-12.

Conditions:
PLEC-related disorder. Also called: PLEC-related condition; PLEC-related disorders.
Epidermolysis bullosa simplex 5C, with pyloric atresia (EBS5C). Also called: PLEC-Related Epidermolysis Bullosa with Pyloric Atresia; Epidermolysis bullosa simplex with pyloric atresia; PLEC1-Related Epidermolysis Bullosa with Pyloric Atresia. Identifiers: Orphanet 158684, MedGen C2677349, MONDO:0012807, OMIM 612138.
Epidermolysis bullosa simplex with nail dystrophy (EBS5D). Identifiers: MedGen C4225309, MONDO:0014661, OMIM 616487.
Autosomal recessive limb-girdle muscular dystrophy type 2Q (LGMDR17). Also called: MUSCULAR DYSTROPHY, LIMB-GIRDLE, AUTOSOMAL RECESSIVE 17. Identifiers: Orphanet 254361, MedGen C3150989, MONDO:0013390, OMIM 613723.
Epidermolysis bullosa simplex, Ogna type (EBS5A). Also called: Pidermolysis bullosa simplex 5A, Ogna type; EPIDERMOLYSIS BULLOSA SIMPLEX 5A, OGNA TYPE. Identifiers: Orphanet 79401, MedGen C0432317, MONDO:0007555, OMIM 131950.
Epidermolysis bullosa simplex 5B, with muscular dystrophy (EBS5B). Also called: EPIDERMOLYSIS BULLOSA SIMPLEX AND LIMB-GIRDLE MUSCULAR DYSTROPHY; Epidermolysis bullosa simplex with muscular dystrophy. Identifiers: Orphanet 257, MedGen C2931072, MONDO:0009181, OMIM 226670.

Allele frequency attached by ClinVar (database versions not stated): gnomAD exomes 0.00003 and 0.00007; ExAC 0.00004; TOPMed 0.00005; gnomAD 0.00006; ESP Exome Variant Server 0.00016.

Submissions (4):

Labcorp Genetics (formerly Invitae), Labcorp
Classification: Uncertain significance for Autosomal recessive limb-girdle muscular dystrophy type 2Q; Epidermolysis bullosa simplex, Ogna type; Epidermolysis bullosa simplex with nail dystrophy; Epidermolysis bullosa simplex 5C, with pyloric atresia; Epidermolysis bullosa simplex 5B, with muscular dystrophy. Last evaluated: 2025-03-12. Review status: criteria provided, single submitter. Criteria: Invitae Variant Classification Sherloc (09022015). Collection method: clinical testing. Allele origin: germline.
Comment: This sequence change replaces glutamic acid, which is acidic and polar, with lysine, which is basic and polar, at codon 2418 of the PLEC protein (p.Glu2418Lys). This variant is present in population databases (rs368939666, gnomAD 0.02%). This variant has not been reported in the literature in individuals affected with PLEC-related conditions. ClinVar contains an entry for this variant (Variation ID: 283100). Invitae Evidence Modeling of protein sequence and biophysical properties (such as structural, functional, and spatial information, amino acid conservation, physicochemical variation, residue mobility, and thermodynamic stability) indicates that this missense variant is not expected to disrupt PLEC protein function with a negative predictive value of 80%. In summary, the available evidence is currently insufficient to determine the role of this variant in disease. Therefore, it has been classified as a Variant of Uncertain Significance.

PreventionGenetics, part of Exact Sciences
Classification: Uncertain significance for PLEC-related condition. Last evaluated: 2025-03-09. Review status: criteria provided, single submitter. Criteria: ACMG Guidelines, 2015. Collection method: clinical testing. Allele origin: germline.
Comment: The PLEC c.7252G>A variant is predicted to result in the amino acid substitution p.Glu2418Lys. To our knowledge, this variant has not been reported in the literature. This variant is reported in 0.022% of alleles in individuals of African descent in gnomAD. At this time, the clinical significance of this variant is uncertain due to the absence of conclusive functional and genetic evidence.

Revvity Omics, Revvity
Classification: Uncertain significance. Last evaluated: 2019-02-07. Review status: criteria provided, single submitter. Criteria: ACMG Guidelines, 2015. Collection method: clinical testing. Allele origin: germline.

Eurofins Ntd Llc (ga)
Classification: Uncertain significance. Last evaluated: 2015-09-10. Review status: criteria provided, single submitter. Criteria: EGL Classification Definitions 2015. Collection method: clinical testing. Allele origin: germline. Observed: 1 variant allele, 1 heterozygote.

NM_201384.3(PLEC):c.7171G>A (p.Glu2391Lys)

Gene: PLEC (plectin; minus strand). Cytogenetic location: 8q24.3.
Variant type: single nucleotide variant.
Coding change: c.7171G>A on transcript NM_201384.3 (MANE Select); coding-DNA position 7171, G replaced by A.
Protein change: p.Glu2391Lys; replaces glutamic acid 2391 with lysine.
Molecular consequence: missense variant.
Genome position (GRCh38, 1-based): chr8:143,922,758, C>T on the plus strand (G>A on the coding strand, the complement: PLEC is on the minus strand). VCF-style: chr8-143922758-C-T. GRCh37 (hg19) VCF-style: chr8-144996926-C-T.
Other names: c.7252G>A, p.Glu2418Lys (NM_000445.5); c.7129G>A, p.Glu2377Lys (NM_201378.4); c.7105G>A, p.Glu2369Lys (NM_201379.3); c.7582G>A, p.Glu2528Lys (NM_201380.4); c.7075G>A, p.Glu2359Lys (NM_201381.3); c.7171G>A, p.Glu2391Lys (NM_201382.4); c.7183G>A, p.Glu2395Lys (NM_201383.3); c.7252G>A (NM_000445.3); short protein forms E2369K, E2359K, E2377K, E2391K, E2418K, E2395K, E2528K.
Identifiers: ClinVar variation 283100 (VCV000283100.13), dbSNP rs368939666, ClinGen allele CA4925738.